The following is an entry in ClinVar:

NM_001303256.3(MORC2):c.2896C>T (p.Gln966Ter)

Gene: MORC2 (MORC family CW-type zinc finger 2; minus strand). Cytogenetic location: 22q12.2.
Variant type: single nucleotide variant.
Coding change: c.2896C>T on transcript NM_001303256.3 (MANE Select); coding-DNA position 2896, C replaced by T.
Protein change: p.Gln966Ter; replaces glutamine 966 with a stop codon.
Molecular consequence: nonsense.
Genome position (GRCh38, 1-based): chr22:30,928,153, G>A on the plus strand (C>T on the coding strand, the complement: MORC2 is on the minus strand). VCF-style: chr22-30928153-G-A. GRCh37 (hg19) VCF-style: chr22-31324140-G-A.
Other names: p.Gln966*; c.2896C>T, p.Gln966Ter (NM_001303257.2); c.2710C>T, p.Gln904Ter (NM_014941.3); short protein forms Q904*, Q966*.
Identifiers: ClinVar variation 2683564 (VCV002683564.1), dbSNP rs2517557184, ClinGen allele CA411229901.

ClinVar aggregate classification (germline): Uncertain significance (1 of 4 stars; one submission).

Submission:

Mayo Clinic Laboratories, Mayo Clinic
Classification: Uncertain significance. Last evaluated: 2023-06-01. Review status: criteria provided, single submitter. Criteria: ACMG Guidelines, 2015. Collection method: clinical testing. Allele origin: germline. Observed: 1 variant allele.
Comment: PM2